The following is an entry in ClinVar:

ClinVar aggregate classification (germline): Uncertain significance (1 of 4 stars; one submission).

Submission:

GeneDx
Classification: Uncertain significance. Last evaluated: 2026-08-06. Review status: criteria provided, single submitter. Criteria: GeneDx Variant Classification Process June 2021. Collection method: clinical testing. Allele origin: germline.
Comment: Not observed at significant frequency in large population cohorts (gnomAD); In silico analysis suggests that this missense variant does not alter protein structure/function; Has not been previously published as pathogenic or benign to our knowledge

NM_013275.6(ANKRD11):c.445G>C (p.Gly149Arg)

Gene: ANKRD11 (ankyrin repeat domain 11; minus strand). Cytogenetic location: 16q24.3.
Variant type: single nucleotide variant.
Coding change: c.445G>C on transcript NM_013275.6 (MANE Select); coding-DNA position 445, G replaced by C.
Protein change: p.Gly149Arg; replaces glycine 149 with arginine.
Molecular consequence: missense variant. On other transcripts: non-coding transcript variant (1).
Genome position (GRCh38, 1-based): chr16:89,290,781, C>G on the plus strand (G>C on the coding strand, the complement: ANKRD11 is on the minus strand). VCF-style: chr16-89290781-C-G. GRCh37 (hg19) VCF-style: chr16-89357189-C-G.
Other names: c.445G>C, p.Gly149Arg (NM_001256183.2, NM_001256182.2); short protein forms G149R.
Identifiers: ClinVar variation 1304794 (VCV001304794.4), dbSNP rs2151796939, ClinGen allele CA397167439.